The following is an entry in ClinVar:

NM_138694.4(PKHD1):c.5895dup (p.Leu1966fs)

Gene: PKHD1 (PKHD1 ciliary IPT domain containing fibrocystin/polyductin; minus strand). Cytogenetic location: 6p12.2.
Variant type: Duplication.
Coding change: c.5895dup on transcript NM_138694.4 (MANE Select); coding-DNA position 5895, one base duplicated (A; older notation c.5895dupA).
Protein change: p.Leu1966fs; shifts the reading frame from leucine 1966.
Molecular consequence: frameshift variant.
Genome position (GRCh38, 1-based): chr6:51,959,883, T duplicated on the plus strand (A on the coding strand, the reverse complement: PKHD1 is on the minus strand). VCF-style (leftmost placement, unchanged base first): chr6-51959882-G-GT. GRCh37 (hg19) VCF-style: chr6-51824680-G-GT.
Other names: p.Leu1966ThrfsTer4; c.5895dup, p.Leu1966fs (NM_170724.3); c.5895dup (NM_170724.2); short protein forms L1966fs.
Identifiers: ClinVar variation 167486 (VCV000167486.57), dbSNP rs746838237, ClinGen allele CA234571.

ClinVar aggregate classification (germline): Pathogenic. Review status: criteria provided, multiple submitters, no conflicts (2 of 4 stars). 17 submissions from 17 submitters: Pathogenic (16). 1 of the submissions does not count toward it. Last evaluated 2026-01-18.

Conditions:
Polycystic kidney disease 4 (PKD4). Also called: POLYCYSTIC KIDNEY DISEASE 4 WITH OR WITHOUT POLYCYSTIC LIVER DISEASE; PKD3; Autosomal Recessive Polycystic Kidney Disease – PKHD1; POLYCYSTIC KIDNEY AND HEPATIC DISEASE 1; POLYCYSTIC KIDNEY DISEASE, INFANTILE, TYPE I. Identifiers: MedGen C4540575, MONDO:0033004, OMIM 263200.
PKHD1-related disorder. Also called: PKHD1-related condition.
Autosomal recessive polycystic kidney disease (ARPKD). Also called: AR polycystic kidney disease. Identifiers: Orphanet 731, Orphanet 8378, MedGen C0085548, MeSH D017044, MONDO:0009889.

Allele frequency attached by ClinVar (database versions not stated): gnomAD 0.00010 and 0.00009; gnomAD exomes 0.00015 and 0.00008; ExAC 0.00004; TOPMed 0.00008.

Submissions (17):

Labcorp Genetics (formerly Invitae), Labcorp
Classification: Pathogenic for Autosomal recessive polycystic kidney disease. Last evaluated: 2026-01-18. Review status: criteria provided, single submitter. Criteria: Invitae Variant Classification Sherloc (09022015). Collection method: clinical testing. Allele origin: germline.
Comment: This sequence change creates a premature translational stop signal (p.Leu1966Thrfs*4) in the PKHD1 gene. It is expected to result in an absent or disrupted protein product. Loss-of-function variants in PKHD1 are known to be pathogenic (PMID: 19940839). This variant is present in population databases (rs746838237, gnomAD 0.01%). This premature translational stop signal has been observed in individual(s) with autosomal recessive polycystic kidney disease (PMID: 15108281, 19940839, 24162162, 27225849). This variant is also known as 5896insA and 5895_5896insA. ClinVar contains an entry for this variant (Variation ID: 167486). For these reasons, this variant has been classified as Pathogenic.

Natera, Inc.
Classification: Pathogenic for Autosomal recessive polycystic kidney disease. Last evaluated: 2025-12-04. Review status: criteria provided, single submitter. Criteria: Natera Variant Classification Schema (03/2026). Collection method: clinical testing. Allele origin: germline.
Comment: The c.5895dupA variant in PKHD1 is a frameshift variant predicted to shift the reading frame beginning at codon 1966 and leads to a stop codon 4 codons downstream. This variant is expected to result in nonsense mediated decay, truncation, or a dysfunctional protein product. This variant is rare in the general population with a frequency below the threshold expected for the associated phenotype(s). This variant has been observed in one or more individuals affected with the associated recessive disease, as either homozygous or compound heterozygous with a second variant (PMID: 27225849). Given the available evidence, this variant is classified as Pathogenic.

Victorian Clinical Genetics Services, Murdoch Childrens Research Institute
Classification: Pathogenic for Polycystic kidney disease 4. Last evaluated: 2025-07-30. Review status: criteria provided, single submitter. Criteria: ACMG Guidelines, 2015. Collection method: clinical testing. Allele origin: germline. Affected: yes.
Comment: This variant is classified as Pathogenic. Evidence in support of pathogenic classification: Variant is predicted to cause nonsense-mediated decay (NMD) and loss of protein (premature termination codon is located at least 54 nucleotides upstream of the final exon-exon junction); Variant is present in gnomAD <0.01 for a recessive condition (v4: 229 heterozygote(s), 0 homozygote(s)); This variant has strong previous evidence of pathogenicity in unrelated individuals. This variant has been classified as pathogenic by clinical laboratories in ClinVar, and has been reported in the literature in heterozygous, homozygous and compound heterozygous individuals with autosomal recessive polycystic kidney disease (PMID: 15805161); Other NMD-predicted variants comparable to the one identified in this case have very strong previous evidence for pathogenicity (DECIPHER). Additional information: This variant is heterozygous; This gene is associated with autosomal recessive disease; however, there are emerging reports of heterozygous carriers of PKHD1 variants developing liver cysts and nephrocalcinosis (PMID: 21945273, 36691356); Loss of function is a known mechanism of disease in this gene and is associated with polycystic kidney disease 4, with or without hepatic disease (MIM#263200); Variants in this gene are known to have variable expressivity. Significant intrafamilial variability has been reported (PMID: 20301501); Inheritance information for this variant is not currently available in this individual.

Blueprint Genetics
Classification: Pathogenic for PKHD1-related disorders. Last evaluated: 2024-08-06. Review status: criteria provided, single submitter. Criteria: ACMG Guidelines, 2015. Collection method: clinical testing. Allele origin: germline. Affected: yes. Observed: 5 variant alleles.

Fulgent Genetics
Classification: Pathogenic for Polycystic kidney disease 4. Last evaluated: 2024-05-29. Review status: criteria provided, single submitter. Criteria: ACMG Guidelines, 2015. Collection method: clinical testing. Allele origin: germline.

GeneDx
Classification: Pathogenic. Last evaluated: 2022-01-10. Review status: criteria provided, single submitter. Criteria: GeneDx Variant Classification Process June 2021. Collection method: clinical testing. Allele origin: germline. Affected: yes.
Comment: Frameshift variant predicted to result in protein truncation or nonsense mediated decay in a gene for which loss-of-function is a known mechanism of disease; Not observed at a significant frequency in large population cohorts (gnomAD); This variant is associated with the following publications: (PMID: 26695994, 15108281, 11919560, 27225849, 24162162, 32574212, 30595564, 33282801, 31589614, 19940839)

Revvity Omics, Revvity
Classification: Pathogenic for Polycystic kidney disease 4. Last evaluated: 2021-07-02. Review status: criteria provided, single submitter. Criteria: ACMG Guidelines, 2015. Collection method: clinical testing. Allele origin: germline.

Breakthrough Genomics
Classification: Pathogenic for Polycystic kidney disease 4. Last evaluated: 2021-01-05. Review status: criteria provided, single submitter. Criteria: ACMG Guidelines, 2015. Collection method: clinical testing. Allele origin: germline. Affected: yes.
Comment: This variant was previously reported in patients of different ethnic origin diagnosed with autosomal recessive polycystic kidney disease and was classified as pathogenic. The variant was previously reported as most frequent or recurrent mutation in the context of polycystic kidney disease in the literature. [PMID: 15108281, 19940839, 24162162, 27225849, 26695994].

HudsonAlpha Institute for Biotechnology
Classification: Pathogenic for Polycystic kidney disease 4. Last evaluated: 2020-10-13. Review status: criteria provided, single submitter. Criteria: ACMG Guidelines, 2015. Collection method: research. Allele origin: maternal. Affected: yes. Observed: 1 variant allele. Study: CSER-SouthSeq.
Comment: ACMG codes:PVS1, PM2, PM3

Laboratory of Molecular Genetics, Children's Memorial Health Institute
Classification: Pathogenic for Polycystic kidney disease 4. Last evaluated: 2020-09-25. Review status: criteria provided, single submitter. Criteria: ACMG Guidelines, 2015. Collection method: clinical testing. Allele origin: paternal. Inheritance: Autosomal recessive inheritance. Affected: yes. Observed: 1 compound heterozygote.

Molecular Biology Laboratory, Fundació Puigvert
Classification: Pathogenic for Polycystic kidney disease 4. Last evaluated: 2020-02-01. Review status: criteria provided, single submitter. Criteria: ACMG Guidelines, 2015. Collection method: research. Allele origin: inherited. Affected: yes. Study: KidneyPanel_2020.

Myriad Genetics, Inc.
Classification: Pathogenic for Polycystic kidney disease 4. Last evaluated: 2019-12-09. Review status: criteria provided, single submitter. Criteria: Myriad Women's Health Autosomal Recessive and X-Linked Classification Criteria (2019). Collection method: clinical testing. Allele origin: unknown.
Comment: NM_138694.3(PKHD1):c.5895dupA(L1966Tfs*4) is classified as pathogenic in the context of PKHD1-related autosomal recessive polycystic kidney disease. Sources cited for classification include the following: PMID 19940839, 15698423, 15805161, 12846734, 12506140 and 11919560. Classification of NM_138694.3(PKHD1):c.5895dupA(L1966Tfs*4) is based on the following criteria: The variant causes a premature termination codon that is expected to be targeted by nonsense-mediated mRNA decay and is reported in individuals with the relevant phenotype. Please note: this variant was assessed in the context of healthy population screening.

Gharavi Laboratory, Columbia University
Classification: Pathogenic. Last evaluated: 2018-09-16. Review status: criteria provided, single submitter. Criteria: ACMG Guidelines, 2015. Collection method: research. Allele origin: germline. Affected: yes.

Women's Health and Genetics/Laboratory Corporation of America, LabCorp
Classification: Pathogenic for Autosomal recessive polycystic kidney disease. Last evaluated: 2018-02-02. Review status: criteria provided, single submitter. Criteria: LabCorp Variant Classification Summary - May 2015. Collection method: clinical testing. Allele origin: germline.
Comment: Variant summary: PKHD1 c.5895dupA (p.Leu1966ThrfsX4) results in a premature termination codon, predicted to cause a truncation of the encoded protein or absence of the protein due to nonsense mediated decay, which are commonly known mechanisms for disease. Truncations downstream of this position have been classified as pathogenic by our laboratory (eg. c.9319C>T, p.Arg3107X; c.9689delA, p.Asp3230fsX34; c.10637delT, p.Val3546fsX22). The variant allele was found at a frequency of 8.3e-05 in 276786 control chromosomes, which is lower than the maximum expected allele frequency for a pathogenic variant in this gene. c.5895dupA has been reported in the literature in multiple individuals affected with Polycystic Kidney and Hepatic Disease and is a common pathogenic variant. Two clinical diagnostic laboratories have submitted clinical-significance assessments for this variant to ClinVar after 2014 without evidence for independent evaluation. All laboratories classified the variant as pathogenic. Based on the evidence outlined above, the variant was classified as pathogenic.

Eurofins Ntd Llc (ga)
Classification: Pathogenic. Last evaluated: 2016-08-05. Review status: criteria provided, single submitter. Criteria: EGL Classification Definitions. Collection method: clinical testing. Allele origin: germline. Observed: 2 variant alleles, 2 heterozygotes.

Baylor Genetics
Classification: Pathogenic for Polycystic kidney disease 4. Review status: criteria provided, single submitter. Criteria: ACMG Guidelines, 2015. Collection method: clinical testing. Allele origin: germline.

PreventionGenetics, part of Exact Sciences
Classification: Pathogenic for PKHD1-related condition. Last evaluated: 2024-04-02. Review status: no assertion criteria provided. Collection method: clinical testing. Allele origin: germline. Not counted in ClinVar's aggregate classification.
Comment: The PKHD1 c.5895dupA variant is predicted to result in a frameshift and premature protein termination (p.Leu1966Thrfs*4). This variant has been repeatedly reported to be pathogenic for autosomal recessive polycystic kidney disease (ARPKD) (see examples: Ward et al. 2002. PubMed ID: 11919560, reported as c.5896insA; Table S2, Denamur et al. 2009. PubMed ID: 19940839; Table 3, Obeidova et al. 2020. PubMed ID: 32574212; Table S2, Domingo-Gallego et al. 2022. PubMed ID: 33532864). This variant is reported in 0.014% of alleles in individuals of Latino descent in gnomAD and has been consistently interpreted as pathogenic in the ClinVar database by other laboratories. Frameshift variants in PKHD1 are expected to be pathogenic. Taken together, this variant is interpreted as pathogenic.

Literature cited by the submitters: PubMed 19940839 (cited by 3 submitters); PubMed 15108281 (cited by Labcorp Genetics (formerly Invitae), Labcorp); PubMed 24162162 (cited by Labcorp Genetics (formerly Invitae), Labcorp); PubMed 27225849 (cited by 3 submitters); PubMed 15805161 (cited by Victorian Clinical Genetics Services, Murdoch Childrens Research Institute and Myriad Genetics, Inc.); PubMed 20301501 (cited by Victorian Clinical Genetics Services, Murdoch Childrens Research Institute); PubMed 36691356 (cited by Victorian Clinical Genetics Services, Murdoch Childrens Research Institute); PubMed 21945273 (cited by Victorian Clinical Genetics Services, Murdoch Childrens Research Institute); PubMed 33532864 (cited by Molecular Biology Laboratory, Fundació Puigvert); PubMed 15698423 (cited by Myriad Genetics, Inc.); PubMed 12846734 (cited by Myriad Genetics, Inc.); PubMed 12506140 (cited by Myriad Genetics, Inc.); PubMed 11919560 (cited by Myriad Genetics, Inc. and Women's Health and Genetics/Laboratory Corporation of America, LabCorp).